The following is an entry in ClinVar:

ClinVar aggregate classification (germline): Uncertain significance. Review status: criteria provided, multiple submitters, no conflicts (2 of 4 stars). 2 submissions from 2 submitters: Uncertain significance (2). Last evaluated 2025-07-12.

Conditions:
Erythrocytosis, familial, 3 (ECYT3). Identifiers: Orphanet 247511, MedGen C1853286, MONDO:0012353, OMIM 609820.

Allele frequency attached by ClinVar (database versions not stated): gnomAD 0.00001; gnomAD exomes 0.00001 and 0.00002; TOPMed 0.00001; ExAC 0.00002.
gnomAD v4.1: 13 of 1,613,458 alleles (0.00081%); highest among the groups gnomAD compares: Non-Finnish European, 0.00034%; no homozygotes.

Submissions (2):

Ambry Genetics
Classification: Uncertain significance. Last evaluated: 2025-07-12. Review status: criteria provided, single submitter. Criteria: Ambry Variant Classification Scheme 2023. Collection method: clinical testing. Allele origin: germline.
Comment: The p.G309C variant (also known as c.925G>T), located in coding exon 2 of the EGLN1 gene, results from a G to T substitution at nucleotide position 925. The glycine at codon 309 is replaced by cysteine, an amino acid with highly dissimilar properties. This amino acid position is highly conserved in available vertebrate species. In addition, this alteration is predicted to be deleterious by in silico analysis. Since supporting evidence is limited at this time, the clinical significance of this alteration remains unclear.

Labcorp Genetics (formerly Invitae), Labcorp
Classification: Uncertain significance for Erythrocytosis, familial, 3. Last evaluated: 2024-05-19. Review status: criteria provided, single submitter. Criteria: Invitae Variant Classification Sherloc (09022015). Collection method: clinical testing. Allele origin: germline.
Comment: This sequence change replaces glycine, which is neutral and non-polar, with cysteine, which is neutral and slightly polar, at codon 309 of the EGLN1 protein (p.Gly309Cys). This variant is present in population databases (rs774056264, gnomAD 0.04%). This variant has not been reported in the literature in individuals affected with EGLN1-related conditions. ClinVar contains an entry for this variant (Variation ID: 850333). An algorithm developed to predict the effect of missense changes on protein structure and function (PolyPhen-2) suggests that this variant is likely to be disruptive. In summary, the available evidence is currently insufficient to determine the role of this variant in disease. Therefore, it has been classified as a Variant of Uncertain Significance.

NM_022051.3(EGLN1):c.925G>T (p.Gly309Cys)

Gene: EGLN1 (egl-9 family hypoxia inducible factor 1; minus strand). Cytogenetic location: 1q42.2.
Variant type: single nucleotide variant.
Coding change: c.925G>T on transcript NM_022051.3 (MANE Select); coding-DNA position 925, G replaced by T.
Protein change: p.Gly309Cys; replaces glycine 309 with cysteine.
Molecular consequence: missense variant.
Genome position (GRCh38, 1-based): chr1:231,374,066, C>A on the plus strand (G>T on the coding strand, the complement: EGLN1 is on the minus strand). VCF-style: chr1-231374066-C-A. GRCh37 (hg19) VCF-style: chr1-231509812-C-A.
Other names: c.925G>T, p.Gly309Cys (NM_001377260.1, NM_001377261.1); short protein forms G309C.
Identifiers: ClinVar variation 850333 (VCV000850333.10), dbSNP rs774056264, ClinGen allele CA1453058.